The following is an entry in ClinVar:

ClinVar aggregate classification (germline): Uncertain significance (1 of 4 stars; one submission).

Submission:

Labcorp Genetics (formerly Invitae), Labcorp
Classification: Uncertain significance. Last evaluated: 2025-04-28. Review status: criteria provided, single submitter. Criteria: Invitae Variant Classification Sherloc (09022015). Collection method: clinical testing. Allele origin: germline.
Comment: This sequence change replaces isoleucine, which is neutral and non-polar, with threonine, which is neutral and polar, at codon 221 of the ATF6 protein (p.Ile221Thr). This variant is not present in population databases (gnomAD no frequency). This variant has not been reported in the literature in individuals affected with ATF6-related conditions. ClinVar contains an entry for this variant (Variation ID: 1428848). An algorithm developed to predict the effect of missense changes on protein structure and function outputs the following: PolyPhen-2: "Benign". The threonine amino acid residue is found in multiple mammalian species, which suggests that this missense change does not adversely affect protein function. In summary, the available evidence is currently insufficient to determine the role of this variant in disease. Therefore, it has been classified as a Variant of Uncertain Significance.

NM_007348.4(ATF6):c.662T>C (p.Ile221Thr)

Gene: ATF6 (activating transcription factor 6; plus strand). Cytogenetic location: 1q23.3.
Variant type: single nucleotide variant.
Coding change: c.662T>C on transcript NM_007348.4 (MANE Select); coding-DNA position 662, T replaced by C.
Protein change: p.Ile221Thr; replaces isoleucine 221 with threonine.
Molecular consequence: missense variant.
Genome position (GRCh38, 1-based): chr1:161,792,301, T>C. VCF-style: chr1-161792301-T-C. GRCh37 (hg19) VCF-style: chr1-161762091-T-C.
Other names: short protein forms I221T.
Identifiers: ClinVar variation 1428848 (VCV001428848.8), dbSNP rs2101742805, ClinGen allele CA343386793.
Genomic context (GRCh38, chr1:161,792,301, plus strand): 5'-AAACCATCATTATTCAGACAGTACCAACGCTTATGCCATTGGCAAAGCAGCAACCAATTA[T>C]CAGTTTACAACCTGCACCCACTAAAGGTACCTGAGCAGAATTTAAGGCTGTGTAAATTTA-3'
Protein context (NP_031374.2, residues 211-231): LMPLAKQQPI[Ile221Thr]SLQPAPTKGQ